The following is an entry in ClinVar:

NM_001378183.1(PIEZO2):c.1535G>A (p.Ser512Asn)

Gene: PIEZO2 (piezo type mechanosensitive ion channel component 2; minus strand). Cytogenetic location: 18p11.22.
Variant type: single nucleotide variant.
Coding change: c.1535G>A on transcript NM_001378183.1 (MANE Select); coding-DNA position 1535, G replaced by A.
Protein change: p.Ser512Asn; replaces serine 512 with asparagine.
Molecular consequence: missense variant.
Genome position (GRCh38, 1-based): chr18:10,794,995, C>T on the plus strand (G>A on the coding strand, the complement: PIEZO2 is on the minus strand). VCF-style: chr18-10794995-C-T. GRCh37 (hg19) VCF-style: chr18-10794993-C-T.
Other names: c.1535G>A, p.Ser512Asn (NM_022068.4); short protein forms S512N.
Identifiers: ClinVar variation 432484 (VCV000432484.2), dbSNP rs1555648285, ClinGen allele CA401924681.
Genomic context (GRCh38, chr18:10,794,995, plus strand): 5'-ATCCAAAGAGTGCACGACCAGATCAGCAGCACGAAGGTCAGCCAGCTGTGATAGGTGATG[C>T]TCCAGGCCTCCGGAGGACAGAAAAGGAAACACGACCATGGTCAATACAATGCTCAGTCCC-3'
Protein context (NP_001365112.1, residues 502-522): ICALIAMMAW[Ser512Asn]ITYHSWLTFV

ClinVar aggregate classification (germline): Uncertain significance (1 of 4 stars; one submission).

Submission:

GeneDx
Classification: Uncertain significance. Last evaluated: 2017-06-01. Review status: criteria provided, single submitter. Criteria: GeneDx Variant Classification (06012015). Collection method: clinical testing. Allele origin: germline. Affected: yes.
Comment: The S512N variant in the PIEZO2 gene has not been reported previously as a pathogenic variant, nor as a benign variant, to our knowledge. The S512N variant is not observed in large population cohorts (Lek et al., 2016; 1000 Genomes Consortium et al., 2015; Exome Variant Server). The S512N variant is a conservative amino acid substitution, which is not likely to impact secondary protein structure as these residues share similar properties. This substitution occurs at a position that is conserved across species, and in silico analysis predicts this variant is probably damaging to the protein structure/function. We interpret S512N as a variant of uncertain significance.